The following is an entry in ClinVar:

ClinVar aggregate classification (germline): Uncertain significance (1 of 4 stars; one submission).

Conditions:
Xeroderma pigmentosum, group F (XPF). Also called: ERCC4-Related Xeroderma Pigmentosum; XERODERMA PIGMENTOSUM, COMPLEMENTATION GROUP F; XERODERMA PIGMENTOSUM VI; XP, GROUP F; XERODERMA PIGMENTOSUM, TYPE F; Xeroderma pigmentosum, type 6. Identifiers: MedGen C0268140, MONDO:0010215, OMIM 278760.
Fanconi anemia complementation group Q. Identifiers: Orphanet 84, MedGen C3808988, MONDO:0014108, OMIM 615272.
Cockayne syndrome. Identifiers: Orphanet 191, MedGen C0009207, MONDO:0016006.

Allele frequency attached by ClinVar (database versions not stated): gnomAD exomes below 0.00001; TOPMed below 0.00001; gnomAD 0.00001; ExAC 0.00002; 1000 Genomes Project 30x 0.00016; 1000 Genomes Project 0.00020.
gnomAD v4.1: 3 of 1,599,352 alleles (0.00019%); highest among the groups gnomAD compares: South Asian, 0.0011%; no homozygotes.

Submission:

Labcorp Genetics (formerly Invitae), Labcorp
Classification: Uncertain significance for Fanconi anemia complementation group Q; Xeroderma pigmentosum, group F; Cockayne syndrome. Last evaluated: 2023-07-31. Review status: criteria provided, single submitter. Criteria: Invitae Variant Classification Sherloc (09022015). Collection method: clinical testing. Allele origin: germline.
Comment: In summary, the available evidence is currently insufficient to determine the role of this variant in disease. Therefore, it has been classified as a Variant of Uncertain Significance. Advanced modeling of protein sequence and biophysical properties (such as structural, functional, and spatial information, amino acid conservation, physicochemical variation, residue mobility, and thermodynamic stability) has been performed at Invitae for this missense variant, however the output from this modeling did not meet the statistical confidence thresholds required to predict the impact of this variant on ERCC4 protein function. This variant has not been reported in the literature in individuals affected with ERCC4-related conditions. This variant is present in population databases (rs533626393, gnomAD 0.003%). This sequence change replaces isoleucine, which is neutral and non-polar, with valine, which is neutral and non-polar, at codon 634 of the ERCC4 protein (p.Ile634Val).

NM_005236.3(ERCC4):c.1900A>G (p.Ile634Val)

Gene: ERCC4 (ERCC excision repair 4, endonuclease catalytic subunit; plus strand). Cytogenetic location: 16p13.12.
Variant type: single nucleotide variant.
Coding change: c.1900A>G on transcript NM_005236.3 (MANE Select); coding-DNA position 1900, A replaced by G.
Protein change: p.Ile634Val; replaces isoleucine 634 with valine.
Molecular consequence: missense variant.
Genome position (GRCh38, 1-based): chr16:13,937,854, A>G. VCF-style: chr16-13937854-A-G. GRCh37 (hg19) VCF-style: chr16-14031711-A-G.
Other names: short protein forms I634V.
Identifiers: ClinVar variation 2931673 (VCV002931673.3), dbSNP rs533626393, ClinGen allele CA7910586.